The following is an entry in ClinVar:

NM_138383.3(MTSS2):c.831-1G>A

Gene: MTSS2 (MTSS I-BAR domain containing 2; minus strand). Cytogenetic location: 16q22.1.
Variant type: single nucleotide variant.
Coding change: c.831-1G>A on transcript NM_138383.3 (MANE Select); the canonical splice acceptor site of the intron before coding-DNA position 831, G replaced by A.
Molecular consequence: splice acceptor variant.
Genome position (GRCh38, 1-based): chr16:70,674,529, C>T on the plus strand (G>A on the coding strand, the complement: MTSS2 is on the minus strand). VCF-style: chr16-70674529-C-T. GRCh37 (hg19) VCF-style: chr16-70708432-C-T.
Identifiers: ClinVar variation 5008211 (VCV005008211.1).

ClinVar aggregate classification (germline): Uncertain significance (1 of 4 stars; one submission).

Submission:

GeneDx
Classification: Uncertain significance. Last evaluated: 2026-03-06. Review status: criteria provided, single submitter. Criteria: GeneDx Variant Classification Process June 2021. Collection method: clinical testing. Allele origin: germline.
Comment: Not observed at significant frequency in large population cohorts (gnomAD); Canonical splice site variant in a gene or region of a gene for which loss of function is not a well-established mechanism of disease; Has not been previously published as pathogenic or benign to our knowledge